The following is an entry in ClinVar:

ClinVar aggregate classification (germline): Uncertain significance (1 of 4 stars; one submission).

Conditions:
Intellectual developmental disorder, autosomal dominant 39. Also called: Intellectual disability, autosomal dominant 39; Mental retardation, autosomal dominant 39. Identifiers: MedGen C4225296, MONDO:0014678, OMIM 616521.

Submission:

Victorian Clinical Genetics Services, Murdoch Childrens Research Institute
Classification: Uncertain significance for Intellectual developmental disorder, autosomal dominant 39. Last evaluated: 2023-07-17. Review status: criteria provided, single submitter. Criteria: ACMG Guidelines, 2015. Collection method: clinical testing. Allele origin: germline. Inheritance: Autosomal dominant inheritance. Affected: yes.
Comment: Based on the classification scheme VCGS_Germline_v1.3.4, this variant is classified as VUS-3A. Following criteria are met: 0102 - Loss of function is a known mechanism of disease in this gene and is associated with intellectual developmental disorder 39 (MIM#616521). (I) 0107 - This gene is associated with autosomal dominant disease. (I) 0115 - Variants in this gene are known to have variable expressivity. Individuals with pathogenic variants in this gene presented with variable phenotypes and severity (PMID: 33622623). (I) 0200 - Variant is predicted to result in a missense amino acid change from glycine to cysteine. (I) 0251 - This variant is heterozygous. (I) 0301 - Variant is absent from gnomAD (both v2 and v3). (SP) 0501 - Missense variant consistently predicted to be damaging by multiple in silico tools or highly conserved with a major amino acid change. (SP) 0602 - Variant is located in a hotspot region or cluster of pathogenic variants. The variant is located in the C2HC type zinc finger domain where pathogenic missense variants appear to cluster (DECIPHER). (SP) 0704 - Another missense variant comparable to the one identified in this case has limited previous evidence for pathogenicity. The p.(Gly515Ser) variant has been classified as likely pathogenic by a clinical laboratory in ClinVar. (SP) 0807 - This variant has no previous evidence of pathogenicity. (I) 0905 - No published segregation evidence has been identified for this variant. (I) 1007 - No published functional evidence has been identified for this variant. (I) 1208 - Inheritance information for this variant is not currently available in this individual. (I) (SP) - Supporting pathogenic, (I) - Information, (SB) - Supporting benign

Literature cited by the submitters: PubMed 33622623.

NM_001303052.2(MYT1L):c.1543G>T (p.Gly515Cys)

Gene: MYT1L (myelin transcription factor 1 like; minus strand). Cytogenetic location: 2p25.3.
Variant type: single nucleotide variant.
Coding change: c.1543G>T on transcript NM_001303052.2 (MANE Select); coding-DNA position 1543, G replaced by T.
Protein change: p.Gly515Cys; replaces glycine 515 with cysteine.
Molecular consequence: missense variant.
Genome position (GRCh38, 1-based): chr2:1,917,280, C>A on the plus strand (G>T on the coding strand, the complement: MYT1L is on the minus strand). VCF-style: chr2-1917280-C-A. GRCh37 (hg19) VCF-style: chr2-1921052-C-A.
Other names: c.1543G>T, p.Gly515Cys (NM_001329844.2, NM_001329845.1, NM_001329851.3); c.1537G>T, p.Gly513Cys (NM_001329846.3, NM_001329847.2, NM_001329848.1 and 3 more transcripts); short protein forms G513C, G515C.
Identifiers: ClinVar variation 3254823 (VCV003254823.1), dbSNP rs2550898220.